The following is an entry in ClinVar:

ClinVar aggregate classification (germline): Pathogenic. Review status: criteria provided, multiple submitters, no conflicts (2 of 4 stars). 2 submissions from 2 submitters: Pathogenic (2). Last evaluated 2025-10-29.

Conditions:
Neurofibromatosis, type 1 (NF1). Also called: VON RECKLINGHAUSEN DISEASE; NEUROFIBROMATOSIS, TYPE I, SOMATIC; Peripheral type neurofibromatosis; Neurofibromatosis, type I. Identifiers: Orphanet 636, MedGen C0027831, MONDO:0018975, OMIM 162200. Disease mechanism: loss of function.
Cardiovascular phenotype. Identifiers: MedGen CN230736.
Hereditary cancer-predisposing syndrome. Also called: Hereditary Cancer Syndrome; Tumor predisposition; Neoplastic Syndromes, Hereditary; Hereditary neoplastic syndrome. Identifiers: Orphanet 140162, MedGen C0027672, MeSH D009386, MONDO:0015356.

Submissions (2):

Ambry Genetics
Classification: Pathogenic for Cardiovascular phenotype; Hereditary cancer-predisposing syndrome. Last evaluated: 2025-10-29. Review status: criteria provided, single submitter. Criteria: Ambry Variant Classification Scheme 2023. Collection method: clinical testing. Allele origin: germline.
Comment: The c.5262_5265delATCA pathogenic mutation, located in coding exon 37 of the NF1 gene, results from a deletion of 4 nucleotides at nucleotide positions 5262 to 5265, causing a translational frameshift with a predicted alternate stop codon (p.V1756Ffs*2). This variant was reported in individual(s) with features consistent with neurofibromatosis type 1 (NF1) (Ambry internal data). This variant is considered to be rare based on population cohorts in the Genome Aggregation Database (gnomAD). This alteration is expected to result in loss of function by premature protein truncation or nonsense-mediated mRNA decay. As such, this alteration is interpreted as a disease-causing mutation.

Labcorp Genetics (formerly Invitae), Labcorp
Classification: Pathogenic for Neurofibromatosis, type 1. Last evaluated: 2023-03-20. Review status: criteria provided, single submitter. Criteria: Invitae Variant Classification Sherloc (09022015). Collection method: clinical testing. Allele origin: germline.
Comment: This variant has not been reported in the literature in individuals affected with NF1-related conditions. For these reasons, this variant has been classified as Pathogenic. This variant is not present in population databases (gnomAD no frequency). This sequence change creates a premature translational stop signal (p.Val1756Phefs*2) in the NF1 gene. It is expected to result in an absent or disrupted protein product. Loss-of-function variants in NF1 are known to be pathogenic (PMID: 10712197, 23913538).

Literature cited by the submitters: PubMed 10712197 (cited by Labcorp Genetics (formerly Invitae), Labcorp); PubMed 23913538 (cited by Labcorp Genetics (formerly Invitae), Labcorp).

NM_001042492.3(NF1):c.5325_5328del (p.Val1777fs)

Gene: NF1 (neurofibromin 1; plus strand). Cytogenetic location: 17q11.2.
Variant type: Deletion.
Coding change: c.5325_5328del on transcript NM_001042492.3 (MANE Select); coding-DNA positions 5325 to 5328, 4 bases deleted (ATCA; older notation c.5325_5328delATCA).
Protein change: p.Val1777fs; shifts the reading frame from valine 1777.
Molecular consequence: frameshift variant.
Genome position (GRCh38, 1-based): chr17:31,327,555-31,327,558, ATCA deleted; deleting any 4 consecutive bases within chr17:31,327,553-31,327,558 gives the same sequence; the c. name uses the placement nearest the transcript's 3' end. VCF-style (leftmost placement, unchanged base first): chr17-31327552-GCAAT-G. GRCh37 (hg19) VCF-style: chr17-29654570-GCAAT-G.
Other names: c.5262_5265delATCA, p.Val1756Phefs (NM_000267.4); c.5262_5265delATCA (NM_000267.3); short protein forms V1756fs, V1777fs.
Identifiers: ClinVar variation 2905989 (VCV002905989.4), dbSNP rs2508705716, ClinGen allele CA2739267465.